The following is an entry in ClinVar:

ClinVar aggregate classification (germline): Pathogenic (1 of 4 stars; one submission).

Conditions:
Cerebral palsy. Identifiers: MedGen C0007789, MONDO:0006497, HP:0100021.

Submission:

Neurogenetics Research Program, University of Adelaide
Classification: Pathogenic for Cerebral palsy. Last evaluated: 2021-06-10. Review status: criteria provided, single submitter. Criteria: ACMG Guidelines, 2015. Collection method: research. Allele origin: unknown. Affected: yes. Observed: 1 variant allele.
Comment: Alters glycine residue in Triple helix domain.

NM_001845.6(COL4A1):c.4114G>C (p.Gly1372Arg)

Gene: COL4A1 (collagen type IV alpha 1 chain; minus strand). Cytogenetic location: 13q34.
Variant type: single nucleotide variant.
Coding change: c.4114G>C on transcript NM_001845.6 (MANE Select); coding-DNA position 4114, G replaced by C.
Protein change: p.Gly1372Arg; replaces glycine 1372 with arginine.
Molecular consequence: missense variant.
Genome position (GRCh38, 1-based): chr13:110,164,898, C>G on the plus strand (G>C on the coding strand, the complement: COL4A1 is on the minus strand). VCF-style: chr13-110164898-C-G. GRCh37 (hg19) VCF-style: chr13-110817245-C-G.
Other names: short protein forms G1372R.
Identifiers: ClinVar variation 1172810 (VCV001172810.1), dbSNP rs2139149224, ClinGen allele CA388660049.
Genomic context (GRCh38, chr13:110,164,898, plus strand): 5'-CCTGCACAGGCCAAGCCTTCTCACCTTGCTGGCCTTTCGGGCCTGGCAGTCCCTGAAGCC[C>G]TTTCAGCCCTGGGGGGCCCTCAGGACCAGGGAGCCCGGGCTCCCCTTTGATGATGTCGTA-3'
Protein context (NP_001836.3, residues 1362-1382): PGPEGPPGLK[Gly1372Arg]LQGLPGPKGQ